The following is an entry in ClinVar:

ClinVar aggregate classification (germline): Uncertain significance. Review status: criteria provided, multiple submitters, no conflicts (2 of 4 stars). 4 submissions from 4 submitters: Uncertain significance (4). Last evaluated 2026-03-01.

Conditions:
Hereditary spastic paraplegia 6 (SPG6). Also called: SPASTIC PARAPLEGIA 6, AUTOSOMAL DOMINANT. Identifiers: Orphanet 100988, MedGen C1838192, MONDO:0010878, OMIM 600363.
Spastic paraplegia. Identifiers: MedGen C0037772, HP:0001258.

Allele frequency attached by ClinVar (database versions not stated): gnomAD exomes 0.00002; ExAC 0.00003; gnomAD 0.00004; TOPMed 0.00005.
gnomAD v4.1: 37 of 1,318,312 alleles (0.0028%); highest among the groups gnomAD compares: Middle Eastern, 0.042%; no homozygotes.

Submissions (4):

CeGaT Center for Human Genetics Tuebingen
Classification: Uncertain significance. Last evaluated: 2026-03-01. Review status: criteria provided, single submitter. Criteria: CeGaT Center For Human Genetics Tuebingen Variant Classification Criteria Version 2. Collection method: clinical testing. Allele origin: germline. Affected: yes. Observed: 1 variant allele.

Women's Health and Genetics/Laboratory Corporation of America, LabCorp
Classification: Uncertain significance. Last evaluated: 2025-12-16. Review status: criteria provided, single submitter. Criteria: LabCorp Variant Classification Summary - May 2015. Collection method: clinical testing. Allele origin: germline.
Comment: Variant summary: NIPA1 c.109G>A (p.Val37Met) results in a conservative amino acid change in the encoded protein sequence. Algorithms developed to predict the effect of missense changes on protein structure and function are either unavailable or do not agree on the potential impact of this missense change. The frequency data for this variant in gnomAD is considered unreliable, as metrics indicate poor data quality at this position. c.109G>A has been observed in at least one individual affected with spastic paraplegia (example: Mreaux_2022). This report does not provide unequivocal conclusions about association of the variant with Hereditary Spastic Paraplegia 6. To our knowledge, no experimental evidence demonstrating an impact on protein function has been reported. The following publication has been ascertained in the context of this evaluation (PMID: 34983064). ClinVar contains an entry for this variant (Variation ID: 989083). Based on the evidence outlined above, the variant was classified as uncertain significance.

Labcorp Genetics (formerly Invitae), Labcorp
Classification: Uncertain significance for Hereditary spastic paraplegia 6. Last evaluated: 2024-10-29. Review status: criteria provided, single submitter. Criteria: Invitae Variant Classification Sherloc (09022015). Collection method: clinical testing. Allele origin: germline.
Comment: This sequence change replaces valine, which is neutral and non-polar, with methionine, which is neutral and non-polar, at codon 37 of the NIPA1 protein (p.Val37Met). The frequency data for this variant in the population databases is considered unreliable, as metrics indicate poor data quality at this position in the gnomAD database. This missense change has been observed in individual(s) with clinical features of hereditary spastic paraplegia (PMID: 34983064). ClinVar contains an entry for this variant (Variation ID: 989083). An algorithm developed to predict the effect of missense changes on protein structure and function (PolyPhen-2) suggests that this variant is likely to be disruptive. In summary, the available evidence is currently insufficient to determine the role of this variant in disease. Therefore, it has been classified as a Variant of Uncertain Significance.

Paris Brain Institute, Inserm - ICM
Classification: Uncertain significance for Spastic paraplegia. Review status: criteria provided, single submitter. Criteria: ACMG Guidelines, 2015. Collection method: clinical testing. Allele origin: unknown. Affected: yes. Observed: 1 variant allele.

Literature cited by the submitters: PubMed 34983064 (cited by Women's Health and Genetics/Laboratory Corporation of America, LabCorp and Labcorp Genetics (formerly Invitae), Labcorp).

NM_144599.5(NIPA1):c.109G>A (p.Val37Met)

Genes: NIPA1 (NIPA magnesium transporter 1; plus strand), LOC130056709 (ATAC-STARR-seq lymphoblastoid silent region 6259; plus strand). Cytogenetic location: 15q11.2.
Variant type: single nucleotide variant.
Coding change: c.109G>A on transcript NM_144599.5 (MANE Select); coding-DNA position 109, G replaced by A.
Protein change: p.Val37Met; replaces valine 37 with methionine.
Molecular consequence: missense variant. On other transcripts: intron variant (1).
Genome position (GRCh38, 1-based): chr15:22,786,765, G>A. VCF-style: chr15-22786765-G-A. GRCh37 (hg19) VCF-style: chr15-23086303-C-T.
Other names: c.-48+517G>A (NM_001142275.1); short protein forms V37M.
Identifiers: ClinVar variation 989083 (VCV000989083.11), dbSNP rs772029587, ClinGen allele CA7426213.